The following is an entry in ClinVar:

ClinVar aggregate classification (germline): Conflicting classifications of pathogenicity. Review status: criteria provided, conflicting classifications (1 of 4 stars). 2 submissions from 2 submitters: Uncertain significance (1); Likely benign (1). Last evaluated 2025-11-16.

Allele frequency attached by ClinVar (database versions not stated): gnomAD exomes 0.00001.

Submissions (2):

Mayo Clinic Laboratories, Mayo Clinic
Classification: Likely benign. Last evaluated: 2025-11-16. Review status: criteria provided, single submitter. Criteria: ACMG Guidelines, 2015. Collection method: clinical testing. Allele origin: germline. Observed: 1 variant allele.
Comment: BP1, BP4

Revvity Omics, Revvity
Classification: Uncertain significance. Last evaluated: 2020-08-13. Review status: criteria provided, single submitter. Criteria: ACMG Guidelines, 2015. Collection method: clinical testing. Allele origin: germline.

NM_001267550.2(TTN):c.25759G>A (p.Glu8587Lys)

Gene: TTN (titin; minus strand). Cytogenetic location: 2q31.2.
Variant type: single nucleotide variant.
Coding change: c.25759G>A on transcript NM_001267550.2 (MANE Select); coding-DNA position 25759, G replaced by A.
Protein change: p.Glu8587Lys; replaces glutamic acid 8587 with lysine.
Molecular consequence: missense variant. On other transcripts: intron variant (3).
Genome position (GRCh38, 1-based): chr2:178,715,655, C>T on the plus strand (G>A on the coding strand, the complement: TTN is on the minus strand). VCF-style: chr2-178715655-C-T. GRCh37 (hg19) VCF-style: chr2-179580382-C-T.
Other names: p.Glu8270Lys; c.24808G>A, p.Glu8270Lys (NM_001256850.1); c.22027G>A, p.Glu7343Lys (NM_133378.4); c.13282+22427G>A (NM_003319.4); c.13858+22427G>A (NM_133437.4); c.13657+22427G>A (NM_133432.3); short protein forms E7343K, E8270K, E8587K.
Identifiers: ClinVar variation 2437859 (VCV002437859.4), dbSNP rs760340908, ClinGen allele CA2000150.
Genomic context (GRCh38, chr2:178,715,655, plus strand): 5'-GCACAGCCACCGAGTCAACGAATGACATTCTGAATTTACTGCTCTCTTGAATTTCAGTCT[C>T]GTCCTTATACCATAAAACTTTGATTTCTGGAGACCCACCGATTTTGCATTCATACCTTGT-3'
Protein context (NP_001254479.2, residues 8577-8597): PEIKVLWYKD[Glu8587Lys]TEIQESSKFR